The following is an entry in ClinVar:

ClinVar aggregate classification (germline): Uncertain significance. Review status: criteria provided, multiple submitters, no conflicts (2 of 4 stars). 2 submissions from 2 submitters: Uncertain significance (2). Last evaluated 2023-07-19.

Conditions:
Symmetrical dyschromatosis of extremities (DSH). Also called: RETICULATE ACROPIGMENTATION OF DOHI; SYMMETRIC DYSCHROMATOSIS OF THE EXTREMITIES; DYSCHROMATOSIS SYMMETRICA HEREDITARIA 1; Dyschromatosis symmetrica hereditaria. Identifiers: Orphanet 41, MedGen C0406775, MONDO:0007483, OMIM 127400.
Aicardi-Goutieres syndrome 6 (AGS6). Identifiers: Orphanet 51, MedGen C3539013, MONDO:0014007, OMIM 615010.

Allele frequency attached by ClinVar (database versions not stated): gnomAD exomes below 0.00001; ExAC 0.00001; TOPMed 0.00001.
gnomAD v4.1: 5 of 1,614,158 alleles (0.00031%); highest among the groups gnomAD compares: East Asian, 0.0045%; no homozygotes.

Submissions (2):

Revvity Omics, Revvity
Classification: Uncertain significance. Last evaluated: 2023-07-19. Review status: criteria provided, single submitter. Criteria: ACMG Guidelines, 2015. Collection method: clinical testing. Allele origin: germline.

Labcorp Genetics (formerly Invitae), Labcorp
Classification: Uncertain significance for Aicardi-Goutieres syndrome 6; Symmetrical dyschromatosis of extremities. Last evaluated: 2022-09-17. Review status: criteria provided, single submitter. Criteria: Invitae Variant Classification Sherloc (09022015). Collection method: clinical testing. Allele origin: germline.
Comment: In summary, the available evidence is currently insufficient to determine the role of this variant in disease. Therefore, it has been classified as a Variant of Uncertain Significance. Advanced modeling of protein sequence and biophysical properties (such as structural, functional, and spatial information, amino acid conservation, physicochemical variation, residue mobility, and thermodynamic stability) has been performed at Invitae for this missense variant, however the output from this modeling did not meet the statistical confidence thresholds required to predict the impact of this variant on ADAR protein function. ClinVar contains an entry for this variant (Variation ID: 1044386). This variant has not been reported in the literature in individuals affected with ADAR-related conditions. This variant is present in population databases (rs772773296, gnomAD 0.0009%). This sequence change replaces threonine, which is neutral and polar, with methionine, which is neutral and non-polar, at codon 1021 of the ADAR protein (p.Thr1021Met).

NM_001111.5(ADAR):c.3062C>T (p.Thr1021Met)

Gene: ADAR (adenosine deaminase RNA specific; minus strand). Cytogenetic location: 1q21.3.
Variant type: single nucleotide variant.
Coding change: c.3062C>T on transcript NM_001111.5 (MANE Select); coding-DNA position 3062, C replaced by T.
Protein change: p.Thr1021Met; replaces threonine 1021 with methionine.
Molecular consequence: missense variant.
Genome position (GRCh38, 1-based): chr1:154,586,321, G>A on the plus strand (C>T on the coding strand, the complement: ADAR is on the minus strand). VCF-style: chr1-154586321-G-A. GRCh37 (hg19) VCF-style: chr1-154558797-G-A.
Other names: c.2177C>T, p.Thr726Met (NM_001025107.3, NM_001193495.2, NM_001365046.1 and 2 more transcripts); c.3089C>T, p.Thr1030Met (NM_001365045.1); c.2099C>T, p.Thr700Met (NM_001365049.1); c.2984C>T, p.Thr995Met (NM_015840.4); c.2927C>T, p.Thr976Met (NM_015841.4); short protein forms T1030M, T995M, T1021M, T700M, T726M, T976M.
Identifiers: ClinVar variation 1044386 (VCV001044386.10), dbSNP rs772773296, ClinGen allele CA1131058.